The following is an entry in ClinVar:

ClinVar aggregate classification (germline): Conflicting classifications of pathogenicity. Review status: criteria provided, conflicting classifications (1 of 4 stars). 9 submissions from 9 submitters: Uncertain significance (7); Likely benign (1). 1 of the submissions does not count toward it. Last evaluated 2026-02-11.

Conditions:
Hereditary cancer-predisposing syndrome. Also called: Hereditary Cancer Syndrome; Neoplastic Syndromes, Hereditary; Tumor predisposition; Hereditary neoplastic syndrome. Identifiers: Orphanet 140162, MedGen C0027672, MeSH D009386, MONDO:0015356.
Breast and/or ovarian cancer. Identifiers: MedGen CN221562.
Familial cancer of breast. Also called: Hereditary breast cancer; hereditary breast carcinoma; BREAST CANCER, FAMILIAL. Identifiers: Orphanet 227535, MedGen C0346153, MONDO:0016419, OMIM 114480. Disease mechanism: loss of function.
Ataxia-telangiectasia syndrome (AT). Also called: Ataxia telangiectasia (A-T); Ataxia-telangiectasia, complementation group E; LOUIS-BAR SYNDROME; Cerebello-oculocutaneous telangiectasia; Immunodeficiency with ataxia telangiectasia; Ataxia-telangiectasia, complementation group D. Identifiers: Orphanet 100, MedGen C0004135, MONDO:0008840, OMIM 208900.

gnomAD v4.1: 1 of 1,612,250 alleles (0.000062%); highest among the groups gnomAD compares: Non-Finnish European, 0.000085%; no homozygotes.

Submissions (9):

St. Jude Molecular Pathology, St. Jude Children's Research Hospital
Classification: Uncertain significance for Ataxia-telangiectasia syndrome. Last evaluated: 2026-02-11. Review status: criteria provided, single submitter. Criteria: St. Jude Assertion Criteria 2020. Collection method: clinical testing. Allele origin: germline.
Comment: The ATM c.4196C>G p.(Thr1399Ser) missense change is absent in gnomAD v2.1.1. The in silico tool REVEL predicts a benign effect on protein function, but to our knowledge this prediction has not been confirmed by functional studies. To our knowledge, this variant has not been reported in individuals with breast cancer or ataxia telangiectasia. In summary, the evidence currently available is insufficient to determine the clinical significance of this variant. It has therefore been classified as of uncertain significance.

Labcorp Genetics (formerly Invitae), Labcorp
Classification: Uncertain significance for Ataxia-telangiectasia syndrome. Last evaluated: 2026-01-14. Review status: criteria provided, single submitter. Criteria: Invitae Variant Classification Sherloc (09022015). Collection method: clinical testing. Allele origin: germline.
Comment: This sequence change replaces threonine, which is neutral and polar, with serine, which is neutral and polar, at codon 1399 of the ATM protein (p.Thr1399Ser). This variant is not present in population databases (gnomAD no frequency). This variant has not been reported in the literature in individuals affected with ATM-related conditions. ClinVar contains an entry for this variant (Variation ID: 232191). Invitae Evidence Modeling of protein sequence and biophysical properties (such as structural, functional, and spatial information, amino acid conservation, physicochemical variation, residue mobility, and thermodynamic stability) indicates that this missense variant is not expected to disrupt ATM protein function with a negative predictive value of 95%. In summary, the available evidence is currently insufficient to determine the role of this variant in disease. Therefore, it has been classified as a Variant of Uncertain Significance.

Color Diagnostics, LLC DBA Color Health
Classification: Uncertain significance for Hereditary cancer-predisposing syndrome. Last evaluated: 2024-12-23. Review status: criteria provided, single submitter. Criteria: ACMG Guidelines, 2015. Collection method: clinical testing. Allele origin: germline.
Comment: This missense variant replaces threonine with serine at codon 1399 of the ATM protein. Computational prediction suggests that this variant may not impact protein structure and function. To our knowledge, functional studies have not been reported for this variant. This variant has not been reported in individuals affected with hereditary cancer in the literature. This variant has not been identified in the general population by the Genome Aggregation Database (gnomAD). The available evidence is insufficient to determine the role of this variant in disease conclusively. Therefore, this variant is classified as a Variant of Uncertain Significance.

Ambry Genetics
Classification: Likely benign for Hereditary cancer-predisposing syndrome. Last evaluated: 2024-02-15. Review status: criteria provided, single submitter. Criteria: Ambry Variant Classification Scheme 2023. Collection method: clinical testing. Allele origin: germline.

Baylor Genetics
Classification: Uncertain significance for Familial cancer of breast. Last evaluated: 2023-12-19. Review status: criteria provided, single submitter. Criteria: ACMG Guidelines, 2015. Collection method: clinical testing. Allele origin: unknown.

CHEO Genetics Diagnostic Laboratory, Children's Hospital of Eastern Ontario
Classification: Uncertain significance for Breast and/or ovarian cancer. Last evaluated: 2022-09-14. Review status: criteria provided, single submitter. Criteria: ACMG Guidelines, 2015. Collection method: clinical testing. Allele origin: germline.

Institute for Clinical Genetics, University Hospital TU Dresden, University Hospital TU Dresden
Classification: Uncertain significance. Last evaluated: 2021-11-03. Review status: criteria provided, single submitter. Criteria: ACMG Guidelines, 2015. Collection method: clinical testing. Allele origin: germline.

GeneDx
Classification: Uncertain significance. Last evaluated: 2018-10-10. Review status: criteria provided, single submitter. Criteria: GeneDx Variant Classification (06012015). Collection method: clinical testing. Allele origin: germline. Affected: yes.
Comment: This variant is denoted ATM c.4196C>G at the cDNA level, p.Thr1399Ser (T1399S) at the protein level, and results in the change of a Threonine to a Serine (ACC>AGC). This variant has not, to our knowledge, been published in the literature as a pathogenic or benign germline variant. ATM Thr1399Ser was not observed in large population cohorts (Lek 2016). This variant is not located within a known functional domain. In silico analysis, which includes protein predictors and evolutionary conservation, supports that this variant does not alter protein structure/function. Based on currently available evidence, it is unclear whether ATM Thr1399Ser is a pathogenic or benign variant. We consider it to be a variant of uncertain significance.

Natera, Inc.
Classification: Uncertain significance for Ataxia-telangiectasia. Last evaluated: 2020-02-26. Review status: no assertion criteria provided. Collection method: clinical testing. Allele origin: germline. Not counted in ClinVar's aggregate classification.

NM_000051.4(ATM):c.4196C>G (p.Thr1399Ser)

Gene: ATM (ATM serine/threonine kinase; plus strand). Cytogenetic location: 11q22.3.
Variant type: single nucleotide variant.
Coding change: c.4196C>G on transcript NM_000051.4 (MANE Select); coding-DNA position 4196, C replaced by G.
Protein change: p.Thr1399Ser; replaces threonine 1399 with serine.
Molecular consequence: missense variant.
Genome position (GRCh38, 1-based): chr11:108,289,063, C>G. VCF-style: chr11-108289063-C-G. GRCh37 (hg19) VCF-style: chr11-108159790-C-G.
Other names: c.4196C>G, p.Thr1399Ser (NM_001351834.2); short protein forms T1399S.
Identifiers: ClinVar variation 232191 (VCV000232191.49), dbSNP rs786203761, ClinGen allele CA10579137.